The following is an entry in ClinVar:

NM_016038.4(SBDS):c.157A>T (p.Thr53Ser)

Gene: SBDS (SBDS ribosome maturation factor; minus strand). Cytogenetic location: 7q11.21.
Variant type: single nucleotide variant.
Coding change: c.157A>T on transcript NM_016038.4 (MANE Select); coding-DNA position 157, A replaced by T.
Protein change: p.Thr53Ser; replaces threonine 53 with serine.
Molecular consequence: missense variant.
Genome position (GRCh38, 1-based): chr7:66,994,313, T>A on the plus strand (A>T on the coding strand, the complement: SBDS is on the minus strand). VCF-style: chr7-66994313-T-A. GRCh37 (hg19) VCF-style: chr7-66459300-T-A.
Other names: short protein forms T53S.
Identifiers: ClinVar variation 4159804 (VCV004159804.1).
Genomic context (GRCh38, chr7:66,994,313, plus strand): 5'-TGATGAGATCTTCCTTTTTGGCAACCTGACCTTTAGAAACATTTACAAACACTGAGTGGG[T>A]CTGCAGAACTTCATCGAGGTCTTTTTCCCTTGTGAGGGCAGGAGAGAAAGTCCTATGTGA-3'
Protein context (NP_057122.2, residues 43-63): VEKDLDEVLQ[Thr53Ser]HSVFVNVSKG

ClinVar aggregate classification (germline): Uncertain significance (1 of 4 stars; one submission).

Conditions:
Inborn genetic diseases. Identifiers: MedGen C0950123, MeSH D030342.

Submission:

Ambry Genetics
Classification: Uncertain significance for Inborn genetic diseases. Last evaluated: 2025-07-09. Review status: criteria provided, single submitter. Criteria: Ambry Variant Classification Scheme 2023. Collection method: clinical testing. Allele origin: germline.
Comment: The p.T53S variant (also known as c.157A>T), located in coding exon 2 of the SBDS gene, results from an A to T substitution at nucleotide position 157. The threonine at codon 53 is replaced by serine, an amino acid with similar properties. This amino acid position is conserved. In addition, the in silico prediction for this alteration is inconclusive. Based on the available evidence, the clinical significance of this variant remains unclear.